The following is an entry in ClinVar:

ClinVar aggregate classification (germline): Uncertain significance (1 of 4 stars; one submission).

Submission:

Greenwood Genetic Center Diagnostic Laboratories, Greenwood Genetic Center
Classification: Uncertain significance. Last evaluated: 2025-11-19. Review status: criteria provided, single submitter. Criteria: ACMG Guidelines, 2015. Collection method: clinical testing. Allele origin: germline. Affected: yes.
Comment: PM2

NM_001330360.2(POLA1):c.4262-3199G>A

Gene: POLA1 (DNA polymerase alpha 1, catalytic subunit; plus strand). Cytogenetic location: Xp21.3.
Variant type: single nucleotide variant.
Coding change: c.4262-3199G>A on transcript NM_001330360.2 (MANE Select); 3199 bases into the intron before coding-DNA position 4262, G replaced by A.
Molecular consequence: intron variant.
Genome position (GRCh38, 1-based): chrX:24,992,606, G>A. VCF-style: chrX-24992606-G-A. GRCh37 (hg19) VCF-style: chrX-25010723-G-A.
Other names: c.4325-3199G>A (NM_001440806.1); c.4187-3199G>A (NM_001378303.1); c.4244-3199G>A (NM_016937.4).
Identifiers: ClinVar variation 4845477 (VCV004845477.1).